The following is an entry in ClinVar:

NM_012470.4(TNPO3):c.617G>A (p.Gly206Glu)

Gene: TNPO3 (transportin 3; minus strand). Cytogenetic location: 7q32.1.
Variant type: single nucleotide variant.
Coding change: c.617G>A on transcript NM_012470.4 (MANE Select); coding-DNA position 617, G replaced by A.
Protein change: p.Gly206Glu; replaces glycine 206 with glutamic acid.
Molecular consequence: missense variant. On other transcripts: non-coding transcript variant (18), intron variant (1).
Genome position (GRCh38, 1-based): chr7:129,005,095, C>T on the plus strand (G>A on the coding strand, the complement: TNPO3 is on the minus strand). VCF-style: chr7-129005095-C-T. GRCh37 (hg19) VCF-style: chr7-128645149-C-T.
Other names: c.617G>A, p.Gly206Glu (NM_001191028.3, NM_001382216.1, NM_001382218.1 and 4 more transcripts); c.698G>A, p.Gly233Glu (NM_001382217.1); c.553-3861G>A (NM_001382221.1); short protein forms G233E, G206E.
Identifiers: ClinVar variation 3690388 (VCV003690388.2).

ClinVar aggregate classification (germline): Uncertain significance (1 of 4 stars; one submission).

Conditions:
Autosomal dominant limb-girdle muscular dystrophy type 1F (LGMDD2). Also called: MUSCULAR DYSTROPHY, LIMB-GIRDLE, AUTOSOMAL DOMINANT 2; Limb-girdle muscular dystrophy, type 1F. Identifiers: Orphanet 55595, MedGen C1842062, MONDO:0012034, OMIM 608423.

Submission:

Labcorp Genetics (formerly Invitae), Labcorp
Classification: Uncertain significance for Autosomal dominant limb-girdle muscular dystrophy type 1F. Last evaluated: 2025-01-11. Review status: criteria provided, single submitter. Criteria: Invitae Variant Classification Sherloc (09022015). Collection method: clinical testing. Allele origin: germline.
Comment: This sequence change replaces glycine, which is neutral and non-polar, with glutamic acid, which is acidic and polar, at codon 206 of the TNPO3 protein (p.Gly206Glu). This variant is not present in population databases (gnomAD no frequency). This variant has not been reported in the literature in individuals affected with TNPO3-related conditions. Invitae Evidence Modeling of protein sequence and biophysical properties (such as structural, functional, and spatial information, amino acid conservation, physicochemical variation, residue mobility, and thermodynamic stability) indicates that this missense variant is not expected to disrupt TNPO3 protein function with a negative predictive value of 80%. In summary, the available evidence is currently insufficient to determine the role of this variant in disease. Therefore, it has been classified as a Variant of Uncertain Significance.